The following is an entry in ClinVar:

ClinVar aggregate classification (germline): Likely benign (0 of 4 stars; one submission).

Conditions:
EDEM3-related disorder. Also called: EDEM3-related condition.

Allele frequency attached by ClinVar (database versions not stated): gnomAD 0.00001; gnomAD exomes 0.00001; TOPMed 0.00001; ExAC 0.00002.
gnomAD v4.1: 16 of 1,600,060 alleles (0.001%); highest among the groups gnomAD compares: African/African-American, 0.0027%; no homozygotes.

Submission:

PreventionGenetics, part of Exact Sciences
Classification: Likely benign for EDEM3-related condition. Last evaluated: 2022-11-20. Review status: no assertion criteria provided. Collection method: clinical testing. Allele origin: germline.
Comment: This variant is classified as likely benign based on ACMG/AMP sequence variant interpretation guidelines (Richards et al. 2015 PMID: 25741868, with internal and published modifications).

NM_025191.4(EDEM3):c.1542G>A (p.Ser514=)

Gene: EDEM3 (ER degradation enhancing alpha-mannosidase like protein 3; minus strand). Cytogenetic location: 1q25.3.
Variant type: single nucleotide variant.
Coding change: c.1542G>A on transcript NM_025191.4 (MANE Select); coding-DNA position 1542, G replaced by A.
Protein change: p.Ser514=; no amino-acid change (serine 514 retained).
Molecular consequence: synonymous variant. On other transcripts: non-coding transcript variant (1).
Genome position (GRCh38, 1-based): chr1:184,711,872, C>T on the plus strand (G>A on the coding strand, the complement: EDEM3 is on the minus strand). VCF-style: chr1-184711872-C-T. GRCh37 (hg19) VCF-style: chr1-184681006-C-T.
Other names: c.1542G>A, p.Ser514= (NM_001319960.2).
Identifiers: ClinVar variation 3052812 (VCV003052812.2), dbSNP rs770289161, ClinGen allele CA1287322.
Genomic context (GRCh38, chr1:184,711,872, plus strand): 5'-GAGGATCTGAGTATTTGGACAAGTCCAATCGAAGTTACTGTCATCCAGTTCTGTATATTC[C>T]GAGGTCTACAAGAGAAAAACATTTTATGTAAACAGAAATAATTATTTTACTTAACATAAT-3'
Protein context (NP_079467.3, residues 504-524): NQSISKKNTT[Ser514=]EYTELDDSNF